The following is an entry in ClinVar:

NM_080701.4(TREX2):c.642G>A (p.Glu214=)

Gene: TREX2 (three prime repair exonuclease 2; minus strand). Cytogenetic location: Xq28.
Variant type: single nucleotide variant.
Coding change: c.642G>A on transcript NM_080701.4 (MANE Select); coding-DNA position 642, G replaced by A.
Protein change: p.Glu214=; no amino-acid change (glutamic acid 214 retained).
Molecular consequence: synonymous variant.
Genome position (GRCh38, 1-based): chrX:153,444,789, C>T on the plus strand (G>A on the coding strand, the complement: TREX2 is on the minus strand). VCF-style: chrX-153444789-C-T. GRCh37 (hg19) VCF-style: chrX-152710247-C-T.
Other names: c.642G>A, p.Glu214= (NM_007205.3).
Identifiers: ClinVar variation 2661684 (VCV002661684.24), dbSNP rs145170280, ClinGen allele CA10546484.

ClinVar aggregate classification (germline): Likely benign (1 of 4 stars; one submission).

Allele frequency attached by ClinVar (database versions not stated): gnomAD 0.00031; TOPMed 0.00033; ExAC 0.00052; ESP Exome Variant Server 0.00057.

Submission:

CeGaT Center for Human Genetics Tuebingen
Classification: Likely benign. Last evaluated: 2022-06-01. Review status: criteria provided, single submitter. Criteria: CeGaT Center For Human Genetics Tuebingen Variant Classification Criteria Version 2. Collection method: clinical testing. Allele origin: germline. Affected: yes. Observed: 1 variant allele.
Comment: TREX2: BP4, BP7